The following is an entry in ClinVar:

NM_004438.5(EPHA4):c.49T>A (p.Cys17Ser)

Gene: EPHA4 (EPH receptor A4; minus strand). Cytogenetic location: 2q36.1.
Variant type: single nucleotide variant.
Coding change: c.49T>A on transcript NM_004438.5 (MANE Select); coding-DNA position 49, T replaced by A.
Protein change: p.Cys17Ser; replaces cysteine 17 with serine.
Molecular consequence: missense variant. On other transcripts: 5 prime UTR variant (1).
Genome position (GRCh38, 1-based): chr2:221,572,200, A>T on the plus strand (T>A on the coding strand, the complement: EPHA4 is on the minus strand). VCF-style: chr2-221572200-A-T. GRCh37 (hg19) VCF-style: chr2-222436920-A-T.
Other names: c.49T>A, p.Cys17Ser (NM_001304536.2, NM_001363748.2); c.-37T>A (NM_001304537.2); short protein forms C17S.
Identifiers: ClinVar variation 1397150 (VCV001397150.8), dbSNP rs1397108495, ClinGen allele CA350409265.

ClinVar aggregate classification (germline): Uncertain significance (1 of 4 stars; one submission).

Allele frequency attached by ClinVar (database versions not stated): gnomAD exomes below 0.00001.
gnomAD v4.1: 1 of 1,614,166 alleles (0.000062%); highest among the groups gnomAD compares: Admixed American, 0.0017%; no homozygotes.

Submission:

Labcorp Genetics (formerly Invitae), Labcorp
Classification: Uncertain significance. Last evaluated: 2021-05-22. Review status: criteria provided, single submitter. Criteria: Invitae Variant Classification Sherloc (09022015). Collection method: clinical testing. Allele origin: germline.
Comment: Algorithms developed to predict the effect of missense changes on protein structure and function are either unavailable or do not agree on the potential impact of this missense change (SIFT: "Deleterious"; PolyPhen-2: "Possibly Damaging"; Align-GVGD: "Class C0"). In summary, the available evidence is currently insufficient to determine the role of this variant in disease. Therefore, it has been classified as a Variant of Uncertain Significance. Algorithms developed to predict the effect of sequence changes on RNA splicing suggest that this variant may create or strengthen a splice site, but this prediction has not been confirmed by published transcriptional studies. This sequence change replaces cysteine with serine at codon 17 of the EPHA4 protein (p.Cys17Ser). The cysteine residue is highly conserved and there is a moderate physicochemical difference between cysteine and serine. This variant is not present in population databases (ExAC no frequency). This variant has not been reported in the literature in individuals with EPHA4-related conditions.